The following is an entry in ClinVar:

NM_013314.4(BLNK):c.1033C>T (p.Pro345Ser)

Genes: BLNK (B cell linker; minus strand), ZNF518A (zinc finger protein 518A; plus strand). Cytogenetic location: 10q24.1.
Variant type: single nucleotide variant.
Coding change: c.1033C>T on transcript NM_013314.4 (MANE Select); coding-DNA position 1033, C replaced by T.
Protein change: p.Pro345Ser; replaces proline 345 with serine.
Molecular consequence: missense variant. On other transcripts: non-coding transcript variant (4).
Genome position (GRCh38, 1-based): chr10:96,200,137, G>A on the plus strand (C>T on the coding strand, the complement: BLNK is on the minus strand). VCF-style: chr10-96200137-G-A. GRCh37 (hg19) VCF-style: chr10-97959893-G-A.
Other names: c.964C>T, p.Pro322Ser (NM_001114094.2, NM_001258441.2); c.1033C>T, p.Pro345Ser (NM_001258440.2); c.718C>T, p.Pro240Ser (NM_001258442.2); short protein forms P322S, P240S, P345S.
Identifiers: ClinVar variation 966331 (VCV000966331.11), dbSNP rs782110816, ClinGen allele CA5623209.

ClinVar aggregate classification (germline): Uncertain significance. Review status: criteria provided, multiple submitters, no conflicts (2 of 4 stars). 3 submissions from 3 submitters: Uncertain significance (3). Last evaluated 2024-07-30.

Conditions:
Inborn genetic diseases. Identifiers: MedGen C0950123, MeSH D030342.
Agammaglobulinemia 4, autosomal recessive (AGM4). Also called: B cell linker protein deficiency; AGAMMAGLOBULINEMIA, AUTOSOMAL RECESSIVE, DUE TO BLNK DEFECT. Identifiers: MedGen C3150752, MONDO:0013289, OMIM 613502.

Allele frequency attached by ClinVar (database versions not stated): ExAC 0.00001; TOPMed 0.00001; gnomAD exomes 0.00002.
gnomAD v4.1: 29 of 1,614,124 alleles (0.0018%); highest among the groups gnomAD compares: Non-Finnish European, 0.0023%; no homozygotes.

Submissions (3):

Ambry Genetics
Classification: Uncertain significance for Inborn genetic diseases. Last evaluated: 2024-07-30. Review status: criteria provided, single submitter. Criteria: Ambry Variant Classification Scheme 2023. Collection method: clinical testing. Allele origin: germline.

Blueprint Genetics
Classification: Uncertain significance. Last evaluated: 2024-04-19. Review status: criteria provided, single submitter. Criteria: ACMG Guidelines, 2015. Collection method: clinical testing. Allele origin: germline.

Labcorp Genetics (formerly Invitae), Labcorp
Classification: Uncertain significance for Agammaglobulinemia 4, autosomal recessive. Last evaluated: 2022-08-19. Review status: criteria provided, single submitter. Criteria: Invitae Variant Classification Sherloc (09022015). Collection method: clinical testing. Allele origin: germline.
Comment: In summary, the available evidence is currently insufficient to determine the role of this variant in disease. Therefore, it has been classified as a Variant of Uncertain Significance. Algorithms developed to predict the effect of missense changes on protein structure and function (SIFT, PolyPhen-2, Align-GVGD) all suggest that this variant is likely to be tolerated. ClinVar contains an entry for this variant (Variation ID: 966331). This variant has not been reported in the literature in individuals affected with BLNK-related conditions. This variant is present in population databases (rs782110816, gnomAD 0.006%). This sequence change replaces proline, which is neutral and non-polar, with serine, which is neutral and polar, at codon 345 of the BLNK protein (p.Pro345Ser).